The following is an entry in ClinVar:

ClinVar aggregate classification (germline): Likely benign. Review status: criteria provided, multiple submitters, no conflicts (2 of 4 stars). 3 submissions from 3 submitters: Likely benign (3). Last evaluated 2025-11-19.

Conditions:
Combined immunodeficiency due to ZAP70 deficiency (IMD48). Also called: Immunodeficiency 48; ZAP70 Deficiency. Identifiers: Orphanet 911, MedGen C2931299, MONDO:0010023, OMIM 269840.

Allele frequency attached by ClinVar (database versions not stated): gnomAD 0.00004 and 0.00005; ExAC 0.00007; TOPMed 0.00003; gnomAD exomes 0.00007 and 0.00008; 1000 Genomes Project 0.00020; ESP Exome Variant Server 0.00015; 1000 Genomes Project 30x 0.00016.

Submissions (3):

Mayo Clinic Laboratories, Mayo Clinic
Classification: Likely benign. Last evaluated: 2025-11-19. Review status: criteria provided, single submitter. Criteria: ACMG Guidelines, 2015. Collection method: clinical testing. Allele origin: germline. Observed: 1 variant allele.
Comment: BP4, BP7

Labcorp Genetics (formerly Invitae), Labcorp
Classification: Likely benign for Combined immunodeficiency due to ZAP70 deficiency. Last evaluated: 2025-09-29. Review status: criteria provided, single submitter. Criteria: Invitae Variant Classification Sherloc (09022015). Collection method: clinical testing. Allele origin: germline.

Blueprint Genetics
Classification: Likely benign. Last evaluated: 2021-10-19. Review status: criteria provided, single submitter. Criteria: ACMG Guidelines, 2015. Collection method: clinical testing. Allele origin: germline.

NM_001079.4(ZAP70):c.1111C>T (p.Leu371=)

Gene: ZAP70 (zeta chain of T cell receptor associated protein kinase 70; plus strand). Cytogenetic location: 2q11.2.
Variant type: single nucleotide variant.
Coding change: c.1111C>T on transcript NM_001079.4 (MANE Select); coding-DNA position 1111, C replaced by T.
Protein change: p.Leu371=; no amino-acid change (leucine 371 retained).
Molecular consequence: synonymous variant.
Genome position (GRCh38, 1-based): chr2:97,735,278, C>T. VCF-style: chr2-97735278-C-T. GRCh37 (hg19) VCF-style: chr2-98351741-C-T.
Other names: p.Leu371=; c.1111C>T, p.Leu371= (NM_001378594.1); c.190C>T, p.Leu64= (NM_207519.2); c.1111C>T (NM_001079.3).
Identifiers: ClinVar variation 1078274 (VCV001078274.11), dbSNP rs56202620, ClinGen allele CA1790378.